The following is an entry in ClinVar:

ClinVar aggregate classification (germline): Uncertain significance (1 of 4 stars; one submission).

Submission:

GeneDx
Classification: Uncertain significance. Last evaluated: 2026-01-15. Review status: criteria provided, single submitter. Criteria: GeneDx Variant Classification Process June 2021. Collection method: clinical testing. Allele origin: germline.
Comment: Not observed at significant frequency in large population cohorts (gnomAD); In silico analysis supports that this missense variant has a deleterious effect on protein structure/function; Has not been previously published as pathogenic or benign to our knowledge

NM_004456.5(EZH2):c.1545G>C (p.Lys515Asn)

Gene: EZH2 (enhancer of zeste 2 polycomb repressive complex 2 subunit; minus strand). Cytogenetic location: 7q36.1.
Variant type: single nucleotide variant.
Coding change: c.1545G>C on transcript NM_004456.5 (MANE Select); coding-DNA position 1545, G replaced by C.
Protein change: p.Lys515Asn; replaces lysine 515 with asparagine.
Molecular consequence: missense variant.
Genome position (GRCh38, 1-based): chr7:148,815,507, C>G on the plus strand (G>C on the coding strand, the complement: EZH2 is on the minus strand). VCF-style: chr7-148815507-C-G. GRCh37 (hg19) VCF-style: chr7-148512599-C-G.
Other names: c.1530G>C, p.Lys510Asn (NM_001203247.2); c.1503G>C, p.Lys501Asn (NM_001203248.2, NM_001203249.2); c.1413G>C, p.Lys471Asn (NM_152998.3); short protein forms K471N, K501N, K510N, K515N.
Identifiers: ClinVar variation 4071639 (VCV004071639.2).